The following is an entry in ClinVar:

ClinVar aggregate classification (germline): Uncertain significance (1 of 4 stars; one submission).

Allele frequency attached by ClinVar (database versions not stated): gnomAD exomes below 0.00001.
gnomAD v4.1: 3 of 1,613,330 alleles (0.00019%); highest among the groups gnomAD compares: Non-Finnish European, 0.00025%; no homozygotes.

Submission:

Labcorp Genetics (formerly Invitae), Labcorp
Classification: Uncertain significance. Last evaluated: 2023-03-10. Review status: criteria provided, single submitter. Criteria: Invitae Variant Classification Sherloc (09022015). Collection method: clinical testing. Allele origin: germline.
Comment: This sequence change replaces serine, which is neutral and polar, with glycine, which is neutral and non-polar, at codon 146 of the SPP2 protein (p.Ser146Gly). This variant is present in population databases (no rsID available, gnomAD 0.0009%). This variant has not been reported in the literature in individuals affected with SPP2-related conditions. ClinVar contains an entry for this variant (Variation ID: 1002819). An algorithm developed to predict the effect of missense changes on protein structure and function (PolyPhen-2) suggests that this variant is likely to be disruptive. In summary, the available evidence is currently insufficient to determine the role of this variant in disease. Therefore, it has been classified as a Variant of Uncertain Significance.

NM_006944.3(SPP2):c.436A>G (p.Ser146Gly)

Gene: SPP2 (secreted phosphoprotein 2; plus strand). Cytogenetic location: 2q37.1.
Variant type: single nucleotide variant.
Coding change: c.436A>G on transcript NM_006944.3 (MANE Select); coding-DNA position 436, A replaced by G.
Protein change: p.Ser146Gly; replaces serine 146 with glycine.
Molecular consequence: missense variant.
Genome position (GRCh38, 1-based): chr2:234,060,471, A>G. VCF-style: chr2-234060471-A-G. GRCh37 (hg19) VCF-style: chr2-234969115-A-G.
Other names: short protein forms S146G.
Identifiers: ClinVar variation 1002819 (VCV001002819.8), dbSNP rs1477272388, ClinGen allele CA351103410.